The following is an entry in ClinVar:

ClinVar aggregate classification (germline): Benign. Review status: criteria provided, multiple submitters, no conflicts (2 of 4 stars). 6 submissions from 6 submitters: Benign (5). 1 of the submissions does not count toward it. Last evaluated 2026-01-28.

Conditions:
SYNJ1-related disorder. Also called: SYNJ1-related condition.
Developmental and epileptic encephalopathy, 53. Also called: Epileptic encephalopathy, early infantile, 53. Identifiers: MedGen C4479313, MONDO:0033362, OMIM 617389.
Early-onset Parkinson disease 20. Also called: PARKINSON DISEASE 20, AUTOSOMAL RECESSIVE EARLY-ONSET. Identifiers: Orphanet 391411, MedGen C3809824, MONDO:0014233, OMIM 615530.

Allele frequency attached by ClinVar (database versions not stated): gnomAD exomes 0.00040 and 0.00100; ExAC 0.00129; gnomAD 0.00429 and 0.00462; TOPMed 0.00468; ESP Exome Variant Server 0.00531; 1000 Genomes Project 30x 0.00547; 1000 Genomes Project 0.00579.
gnomAD v4.1: 1,275 of 1,611,880 alleles (0.079%); highest among the groups gnomAD compares: African/African-American, 1.5%; 7 homozygotes.

Submissions (6):

Labcorp Genetics (formerly Invitae), Labcorp
Classification: Benign for Developmental and epileptic encephalopathy, 53; Early-onset Parkinson disease 20. Last evaluated: 2026-01-28. Review status: criteria provided, single submitter. Criteria: Invitae Variant Classification Sherloc (09022015). Collection method: clinical testing. Allele origin: germline.

ARUP Laboratories, Molecular Genetics and Genomics, ARUP Laboratories
Classification: Benign. Last evaluated: 2025-04-08. Review status: criteria provided, single submitter. Criteria: ARUP Molecular Germline Variant Investigation Process 2024. Collection method: clinical testing. Allele origin: germline.

Mayo Clinic Laboratories, Mayo Clinic
Classification: Benign. Last evaluated: 2023-04-21. Review status: criteria provided, single submitter. Criteria: ACMG Guidelines, 2015. Collection method: clinical testing. Allele origin: germline. Observed: 4 variant alleles.
Comment: BS1, BS2, BP4

GeneDx
Classification: Benign. Last evaluated: 2021-09-16. Review status: criteria provided, single submitter. Criteria: GeneDx Variant Classification Process June 2021. Collection method: clinical testing. Allele origin: germline. Affected: yes.

Athena Diagnostics
Classification: Benign. Last evaluated: 2020-08-10. Review status: criteria provided, single submitter. Criteria: Athena Diagnostics Criteria. Collection method: clinical testing. Allele origin: unknown.

PreventionGenetics, part of Exact Sciences
Classification: Benign for SYNJ1-related condition. Last evaluated: 2019-06-26. Review status: no assertion criteria provided. Collection method: clinical testing. Allele origin: germline. Not counted in ClinVar's aggregate classification.
Comment: This variant is classified as benign based on ACMG/AMP sequence variant interpretation guidelines (Richards et al. 2015 PMID: 25741868, with internal and published modifications).

NM_203446.3(SYNJ1):c.1119-8G>T

Gene: SYNJ1 (synaptojanin 1; minus strand). Cytogenetic location: 21q22.11.
Variant type: single nucleotide variant.
Coding change: c.1119-8G>T on transcript NM_203446.3 (MANE Select); 8 bases into the intron before coding-DNA position 1119, G replaced by T.
Molecular consequence: intron variant.
Genome position (GRCh38, 1-based): chr21:32,684,127, C>A on the plus strand (G>T on the coding strand, the complement: SYNJ1 is on the minus strand). VCF-style: chr21-32684127-C-A. GRCh37 (hg19) VCF-style: chr21-34056437-C-A.
Other names: p.?; c.1236-8G>T (NM_003895.4); c.1119-8G>T (NM_001160302.2, NM_001160306.2).
Identifiers: ClinVar variation 478325 (VCV000478325.22), dbSNP rs138882423, ClinGen allele CA10003962.